The following is an entry in ClinVar:

NM_033305.3(VPS13A):c.8563dup (p.Gln2855fs)

Gene: VPS13A (vacuolar protein sorting 13 homolog A; plus strand). Cytogenetic location: 9q21.2.
Variant type: Duplication.
Coding change: c.8563dup on transcript NM_033305.3 (MANE Select); coding-DNA position 8563, one base duplicated (C; older notation c.8563dupC).
Protein change: p.Gln2855fs; shifts the reading frame from glutamine 2855.
Molecular consequence: frameshift variant.
Genome position (GRCh38, 1-based): chr9:77,369,308, C duplicated. VCF-style (leftmost placement, unchanged base first): chr9-77369307-G-GC. GRCh37 (hg19) VCF-style: chr9-79984223-G-GC.
Other names: c.8446dup, p.Gln2816fs (NM_001018037.2); c.8563dup, p.Gln2855fs (NM_001018038.3, NM_015186.4); short protein forms Q2816fs, Q2855fs.
Identifiers: ClinVar variation 953727 (VCV000953727.7), dbSNP rs1832616472, ClinGen allele CA1139660999.

ClinVar aggregate classification (germline): Pathogenic (1 of 4 stars; one submission).

Submission:

Labcorp Genetics (formerly Invitae), Labcorp
Classification: Pathogenic. Last evaluated: 2019-09-30. Review status: criteria provided, single submitter. Criteria: Invitae Variant Classification Sherloc (09022015). Collection method: clinical testing. Allele origin: germline.
Comment: This variant is not present in population databases (ExAC no frequency). This sequence change creates a premature translational stop signal (p.Gln2855Profs*10) in the VPS13A gene. It is expected to result in an absent or disrupted protein product. This variant has not been reported in the literature in individuals with VPS13A-related conditions. Loss-of-function variants in VPS13A are known to be pathogenic (PMID: 12404112, 21598378). For these reasons, this variant has been classified as Pathogenic.

Literature cited by the submitters: PubMed 12404112; PubMed 21598378.